The following is an entry in ClinVar:

NM_000019.4(ACAT1):c.580-93_626del

Gene: ACAT1 (acetyl-CoA acetyltransferase 1; plus strand). Cytogenetic location: 11q22.3.
Variant type: Deletion.
Coding change: c.580-93_626del on transcript NM_000019.4 (MANE Select); 93 bases into the intron before coding-DNA position 580 through coding-DNA position 626, 140 bases deleted.
Molecular consequence: splice acceptor variant.
Genome position (GRCh38, 1-based): chr11:108,139,972-108,140,111, 140 bases deleted. GRCh37 (hg19): chr11:108,010,699-108,010,838.
Other names: c.310-93_356del (NM_001386682.1, NM_001386681.1, NM_001386685.1 and 6 more transcripts); c.580-93_626del (NM_001386677.1); c.283-93_329del (NM_001386679.1); c.265-93_311del (NM_001386678.1).
Identifiers: ClinVar variation 2115197 (VCV002115197.4), dbSNP rs2496620348, ClinGen allele CA2580083499.

ClinVar aggregate classification (germline): Pathogenic (1 of 4 stars; one submission).

Conditions:
Deficiency of acetyl-CoA acetyltransferase. Also called: Beta-ketothiolase deficiency; MITOCHONDRIAL ACETOACETYL-CoA THIOLASE DEFICIENCY; 3-KETOTHIOLASE DEFICIENCY; 3-OXOTHIOLASE DEFICIENCY. Identifiers: Orphanet 134, MedGen C1536500, MONDO:0008760, OMIM 203750. Disease mechanism: loss of function.

Submission:

Labcorp Genetics (formerly Invitae), Labcorp
Classification: Pathogenic for Deficiency of acetyl-CoA acetyltransferase. Last evaluated: 2023-08-22. Review status: criteria provided, single submitter. Criteria: Invitae Variant Classification Sherloc (09022015). Collection method: clinical testing. Allele origin: germline.
Comment: This variant has not been reported in the literature in individuals affected with ACAT1-related conditions. For these reasons, this variant has been classified as Pathogenic. This variant disrupts a region of the ACAT1 protein in which other variant(s) (p.Arg208Gln) have been determined to be pathogenic (PMID: 17236799; Invitae). This suggests that this is a clinically significant region of the protein, and that variants that disrupt it are likely to be disease-causing. Algorithms developed to predict the effect of sequence changes on RNA splicing suggest that this variant may disrupt the consensus splice site. This variant is not present in population databases (gnomAD no frequency). This variant results in the deletion of part of exon 7 (c.580-93_626del) of the ACAT1 gene. It is expected to disrupt RNA splicing. Variants that disrupt the donor or acceptor splice site typically lead to a loss of protein function (PMID: 16199547), and loss-of-function variants in ACAT1 are known to be pathogenic (PMID: 7749408).

Literature cited by the submitters: PubMed 17236799; PubMed 16199547; PubMed 7749408.